The following is an entry in ClinVar:

ClinVar aggregate classification (germline): Conflicting classifications of pathogenicity. Review status: criteria provided, conflicting classifications (1 of 4 stars). 3 submissions from 3 submitters: Uncertain significance (2); Likely benign (1). Last evaluated 2024-12-14.

Conditions:
Inborn genetic diseases. Identifiers: MedGen C0950123, MeSH D030342.

gnomAD v4.1: 23 of 1,612,644 alleles (0.0014%); highest among the groups gnomAD compares: East Asian, 0.049%; no homozygotes.

Submissions (3):

Women's Health and Genetics/Laboratory Corporation of America, LabCorp
Classification: Uncertain significance. Last evaluated: 2024-12-14. Review status: criteria provided, single submitter. Criteria: LabCorp Variant Classification Summary - May 2015. Collection method: clinical testing. Allele origin: germline.

Ambry Genetics
Classification: Likely benign for Inborn genetic diseases. Last evaluated: 2023-12-12. Review status: criteria provided, single submitter. Criteria: Ambry Variant Classification Scheme 2023. Collection method: clinical testing. Allele origin: germline.

Labcorp Genetics (formerly Invitae), Labcorp
Classification: Uncertain significance. Last evaluated: 2022-08-16. Review status: criteria provided, single submitter. Criteria: Invitae Variant Classification Sherloc (09022015). Collection method: clinical testing. Allele origin: germline.
Comment: This sequence change replaces methionine, which is neutral and non-polar, with leucine, which is neutral and non-polar, at codon 84 of the ASNS protein (p.Met84Leu). The frequency data for this variant in the population databases is considered unreliable, as metrics indicate poor data quality at this position in the gnomAD database. This variant has not been reported in the literature in individuals affected with ASNS-related conditions. Algorithms developed to predict the effect of missense changes on protein structure and function output the following: SIFT: "Tolerated"; PolyPhen-2: "Benign"; Align-GVGD: "Class C0". The leucine amino acid residue is found in multiple mammalian species, which suggests that this missense change does not adversely affect protein function. In summary, the available evidence is currently insufficient to determine the role of this variant in disease. Therefore, it has been classified as a Variant of Uncertain Significance.

NM_001673.5(ASNS):c.250A>T (p.Met84Leu)

Genes: ASNS (asparagine synthetase (glutamine-hydrolyzing); minus strand), CZ1P-ASNS (CZ1P-ASNS readthrough; minus strand). Cytogenetic location: 7q21.3.
Variant type: single nucleotide variant.
Coding change: c.250A>T on transcript NM_001673.5 (MANE Select); coding-DNA position 250, A replaced by T.
Protein change: p.Met84Leu; replaces methionine 84 with leucine.
Molecular consequence: missense variant. On other transcripts: non-coding transcript variant (1), initiator codon variant (2).
Genome position (GRCh38, 1-based): chr7:97,864,496, T>A on the plus strand (A>T on the coding strand, the complement: ASNS is on the minus strand). VCF-style: chr7-97864496-T-A. GRCh37 (hg19) VCF-style: chr7-97493808-T-A.
Other names: c.187A>T, p.Met63Leu (NM_001178075.2); c.1A>T, p.Met1Leu (NM_001178076.2, NM_001178077.1); c.250A>T, p.Met84Leu (NM_001352496.2, NM_133436.3, NM_183356.4); short protein forms M63L, M84L, M1L.
Identifiers: ClinVar variation 2144425 (VCV002144425.4), dbSNP rs772499410, ClinGen allele CA4354802.